The following is an entry in ClinVar:

NM_000263.4(NAGLU):c.2T>A (p.Met1Lys)

Genes: NAGLU (N-acetyl-alpha-glucosaminidase; plus strand), LOC130060903 (ATAC-STARR-seq lymphoblastoid silent region 8533; plus strand). Cytogenetic location: 17q21.2.
Variant type: single nucleotide variant.
Coding change: c.2T>A on transcript NM_000263.4 (MANE Select); coding-DNA position 2, T replaced by A.
Protein change: p.Met1Lys; changes the start codon (methionine 1).
Molecular consequence: missense variant, initiator codon variant.
Genome position (GRCh38, 1-based): chr17:42,536,274, T>A. VCF-style: chr17-42536274-T-A. GRCh37 (hg19) VCF-style: chr17-40688292-T-A.
Other names: short protein forms M1K.
Identifiers: ClinVar variation 3374959 (VCV003374959.1).

ClinVar aggregate classification (germline): Likely pathogenic (1 of 4 stars; one submission).

Conditions:
Mucopolysaccharidosis, MPS-III-B (MPS3B). Also called: N-ACETYL-ALPHA-D-GLUCOSAMINIDASE DEFICIENCY; NAGLU DEFICIENCY; SANFILIPPO SYNDROME B; MPS III B; MPS IIIB (Sanfilippo Syndrome Type B); MUCOPOLYSACCHARIDOSIS, TYPE IIIB. Identifiers: Orphanet 79270, MedGen C0086648, MONDO:0009656, OMIM 252920.

Submission:

Women's Health and Genetics/Laboratory Corporation of America, LabCorp
Classification: Likely pathogenic for Mucopolysaccharidosis, MPS-III-B. Last evaluated: 2024-09-10. Review status: criteria provided, single submitter. Criteria: LabCorp Variant Classification Summary - May 2015. Collection method: clinical testing. Allele origin: germline.
Comment: Variant summary: NAGLU c.2T>A (p.Met1Lys) alters the initiation codon and is predicted to result either in absence of the protein or truncation of the encoded protein due to translation initiation at a downstream codon. The next in frame Met codon occurs at p.157. One of two in-silico tools predict a benign effect of the variant on protein function. The variant allele was found at a frequency of 3.3e-06 in 1216966 control chromosomes. c.2T>A has been reported in the literature in the presumed compound heterozygous state in at least 1 individual affected with Mucopolysaccharidosis Type IIIB (Sanfilippo Syndrome B) (example, Mangas_2008). Further, a downstream missense c.259G>C (p.Ala87Pro) which occurs prior the next in frame Met has been classified as Pathogenic by our lab, indicating this region of the N-terminus is indispensable for protein function. To our knowledge, no experimental evidence demonstrating an impact on protein function has been reported. The following publication has been ascertained in the context of this evaluation (PMID: 18218046). No submitters have cited clinical-significance assessments for this variant to ClinVar. Based on the evidence outlined above, the variant was classified as likely pathogenic.

Literature cited by the submitters: PubMed 18218046.